The following is an entry in ClinVar:

NM_003036.4(SKI):c.863G>T (p.Ser288Ile)

Gene: SKI (SKI proto-oncogene; plus strand). Cytogenetic location: 1p36.33.
Variant type: single nucleotide variant.
Coding change: c.863G>T on transcript NM_003036.4 (MANE Select); coding-DNA position 863, G replaced by T.
Protein change: p.Ser288Ile; replaces serine 288 with isoleucine.
Molecular consequence: missense variant.
Genome position (GRCh38, 1-based): chr1:2,229,629, G>T. VCF-style: chr1-2229629-G-T. GRCh37 (hg19) VCF-style: chr1-2161068-G-T.
Other names: short protein forms S288I.
Identifiers: ClinVar variation 1472674 (VCV001472674.8), dbSNP rs2100791046, ClinGen allele CA337956118.

ClinVar aggregate classification (germline): Uncertain significance (1 of 4 stars; one submission).

Conditions:
Shprintzen-Goldberg syndrome (SGS). Also called: Marfanoid disorder with craniosynostosis type 1; Marfanoid craniosynostosis syndrome; Shprintzen-Goldberg marfanoid syndrome; SHPRINTZEN-GOLDBERG CRANIOSYNOSTOSIS SYNDROME; CRANIOSYNOSTOSIS WITH ARACHNODACTYLY AND ABDOMINAL HERNIAS. Identifiers: Orphanet 2462, MedGen C1321551, MONDO:0008426, OMIM 182212.

Submission:

Labcorp Genetics (formerly Invitae), Labcorp
Classification: Uncertain significance for Shprintzen-Goldberg syndrome. Last evaluated: 2020-11-10. Review status: criteria provided, single submitter. Criteria: Invitae Variant Classification Sherloc (09022015). Collection method: clinical testing. Allele origin: germline.
Comment: Algorithms developed to predict the effect of missense changes on protein structure and function are either unavailable or do not agree on the potential impact of this missense change (SIFT: "Deleterious"; PolyPhen-2: "Probably Damaging"; Align-GVGD: "Class C0"). In summary, the available evidence is currently insufficient to determine the role of this variant in disease. Therefore, it has been classified as a Variant of Uncertain Significance. This sequence change replaces serine with isoleucine at codon 288 of the SKI protein (p.Ser288Ile). The serine residue is moderately conserved and there is a large physicochemical difference between serine and isoleucine. This variant is not present in population databases (ExAC no frequency). This variant has not been reported in the literature in individuals with SKI-related conditions.